The following is an entry in ClinVar:

NM_001370259.2(MEN1):c.1541C>A (p.Pro514His)

Gene: MEN1 (menin 1; minus strand). Cytogenetic location: 11q13.1.
Variant type: single nucleotide variant.
Coding change: c.1541C>A on transcript NM_001370259.2 (MANE Select); coding-DNA position 1541, C replaced by A.
Protein change: p.Pro514His; replaces proline 514 with histidine.
Molecular consequence: missense variant.
Genome position (GRCh38, 1-based): chr11:64,804,626, G>T on the plus strand (C>A on the coding strand, the complement: MEN1 is on the minus strand). VCF-style: chr11-64804626-G-T. GRCh37 (hg19) VCF-style: chr11-64572098-G-T.
Other names: c.1556C>A, p.Pro519His (NM_000244.4, NM_130800.3, NM_130801.3 and 3 more transcripts); c.1667C>A, p.Pro556His (NM_001370251.2); c.1541C>A, p.Pro514His (NM_001370260.2, NM_001370261.2, NM_130799.3); c.1436C>A, p.Pro479His (NM_001370262.2, NM_001370263.2); c.1541C>A (NM_130799.2); short protein forms P556H, P519H, P479H, P514H.
Identifiers: ClinVar variation 1478834 (VCV001478834.9), dbSNP rs753022747, ClinGen allele CA381178582.
Genomic context (GRCh38, chr11:64,804,626, plus strand): 5'-GTGCTGCCACCTTCAGGGCCTCGGGCTGTGCCAGCGACAGTCCCAGGAGGCTTCCGGGGG[G>T]GTCCTGACACTGCACCCTGGCCGGTGCCCAGGCCCTTGTCCAGTGCTGGCTTCTTGGGCG-3'
Protein context (NP_001357188.2, residues 504-524): LGTGQGAVSG[Pro514His]PRKPPGTVAG

ClinVar aggregate classification (germline): Uncertain significance. Review status: criteria provided, multiple submitters, no conflicts (2 of 4 stars). 2 submissions from 2 submitters: Uncertain significance (2). Last evaluated 2025-06-09.

Conditions:
Hereditary cancer-predisposing syndrome. Also called: Hereditary neoplastic syndrome; Tumor predisposition; Neoplastic Syndromes, Hereditary; Hereditary Cancer Syndrome. Identifiers: Orphanet 140162, MedGen C0027672, MeSH D009386, MONDO:0015356.
Multiple endocrine neoplasia, type 1 (MEN1). Also called: MEN I; WERMER SYNDROME; Endocrine adenomatosis multiple; MEN 1; MEA I. Identifiers: Orphanet 652, MedGen C0025267, MeSH D018761, MONDO:0007540, OMIM 131100.

Submissions (2):

Labcorp Genetics (formerly Invitae), Labcorp
Classification: Uncertain significance for Multiple endocrine neoplasia, type 1. Last evaluated: 2025-06-09. Review status: criteria provided, single submitter. Criteria: Invitae Variant Classification Sherloc (09022015). Collection method: clinical testing. Allele origin: germline.
Comment: This sequence change replaces proline, which is neutral and non-polar, with histidine, which is basic and polar, at codon 514 of the MEN1 protein (p.Pro514His). This variant is not present in population databases (gnomAD no frequency). This variant has not been reported in the literature in individuals affected with MEN1-related conditions. ClinVar contains an entry for this variant (Variation ID: 1478834). Invitae Evidence Modeling of protein sequence and biophysical properties (such as structural, functional, and spatial information, amino acid conservation, physicochemical variation, residue mobility, and thermodynamic stability) indicates that this missense variant is not expected to disrupt MEN1 protein function with a negative predictive value of 95%. In summary, the available evidence is currently insufficient to determine the role of this variant in disease. Therefore, it has been classified as a Variant of Uncertain Significance.

Ambry Genetics
Classification: Uncertain significance for Hereditary cancer-predisposing syndrome. Last evaluated: 2025-02-05. Review status: criteria provided, single submitter. Criteria: Ambry Variant Classification Scheme 2023. Collection method: clinical testing. Allele origin: germline.
Comment: The p.P514H variant (also known as c.1541C>A), located in coding exon 9 of the MEN1 gene, results from a C to A substitution at nucleotide position 1541. The proline at codon 514 is replaced by histidine, an amino acid with similar properties. This amino acid position is conserved. In addition, the in silico prediction for this alteration is inconclusive. Since supporting evidence is limited at this time, the clinical significance of this alteration remains unclear.